The following is an entry in ClinVar:

NM_005257.6(GATA6):c.446A>C (p.Gln149Pro)

Gene: GATA6 (GATA binding protein 6; plus strand). Cytogenetic location: 18q11.2.
Variant type: single nucleotide variant.
Coding change: c.446A>C on transcript NM_005257.6 (MANE Select); coding-DNA position 446, A replaced by C.
Protein change: p.Gln149Pro; replaces glutamine 149 with proline.
Molecular consequence: missense variant.
Genome position (GRCh38, 1-based): chr18:22,171,590, A>C. VCF-style: chr18-22171590-A-C. GRCh37 (hg19) VCF-style: chr18-19751551-A-C.
Other names: short protein forms Q149P.
Identifiers: ClinVar variation 3252727 (VCV003252727.1), dbSNP rs2510625839.
Genomic context (GRCh38, chr18:22,171,590, plus strand): 5'-GGTCCAGCCGCGGCGCCAAGCTGAGCCCCTTCGCACCCGAGCAGCCGGAGGAGATGTACC[A>C]GACCCTCGCCGCTCTCTCCAGCCAGGGTCCGGCCGCCTACGACGGCGCGCCCGGCGGCTT-3'
Protein context (NP_005248.2, residues 139-159): FAPEQPEEMY[Gln149Pro]TLAALSSQGP

ClinVar aggregate classification (germline): Uncertain significance (1 of 4 stars; one submission).

Submission:

GeneDx
Classification: Uncertain significance. Last evaluated: 2023-12-04. Review status: criteria provided, single submitter. Criteria: GeneDx Variant Classification Process June 2021. Collection method: clinical testing. Allele origin: germline. Affected: yes.
Comment: Not observed at significant frequency in large population cohorts (gnomAD); In silico analysis supports that this missense variant has a deleterious effect on protein structure/function; Has not been previously published as pathogenic or benign to our knowledge